The following is an entry in ClinVar:

ClinVar aggregate classification (germline): Uncertain significance. Review status: criteria provided, multiple submitters, no conflicts (2 of 4 stars). 2 submissions from 2 submitters: Uncertain significance (2). Last evaluated 2025-09-22.

Conditions:
Malignant hyperthermia, susceptibility to, 1 (MHS1). Also called: RYR1-Related Malignant Hyperthermia Susceptibility; Anesthesia related hyperthermia; Malignant hyperpyrexia; Fulminating hyperpyrexia; Pharmacogenic myopathy; Malignant hyperthermia suceptibility 1. Identifiers: Orphanet 423, MedGen C2930980, MONDO:0007783, OMIM 145600.

gnomAD v4.1: 17 of 1,606,658 alleles (0.0011%); highest among the groups gnomAD compares: Non-Finnish European, 0.0014%; no homozygotes.

Submissions (2):

Color Diagnostics, LLC DBA Color Health
Classification: Uncertain significance for Malignant hyperthermia, susceptibility to, 1. Last evaluated: 2025-09-22. Review status: criteria provided, single submitter. Criteria: ACMG Guidelines, 2015. Collection method: clinical testing. Allele origin: germline.
Comment: This missense variant replaces proline with threonine at codon 4491 of the RYR1 protein. Computational prediction suggests that this variant may not impact protein structure and function. To our knowledge, functional studies have not been reported for this variant. This variant has not been reported in individuals affected with RYR1-related disorders in the literature. This variant has not been identified in the general population by the Genome Aggregation Database (gnomAD). The available evidence is insufficient to determine the role of this variant in disease conclusively. Therefore, this variant is classified as a Variant of Uncertain Significance.

Blueprint Genetics
Classification: Uncertain significance. Last evaluated: 2021-09-22. Review status: criteria provided, single submitter. Criteria: ACMG Guidelines, 2015. Collection method: clinical testing. Allele origin: germline.

NM_000540.3(RYR1):c.13471C>A (p.Pro4491Thr)

Gene: RYR1 (ryanodine receptor 1; plus strand). Cytogenetic location: 19q13.2.
Variant type: single nucleotide variant.
Coding change: c.13471C>A on transcript NM_000540.3 (MANE Select); coding-DNA position 13471, C replaced by A.
Protein change: p.Pro4491Thr; replaces proline 4491 with threonine.
Molecular consequence: missense variant.
Genome position (GRCh38, 1-based): chr19:38,566,944, C>A. VCF-style: chr19-38566944-C-A. GRCh37 (hg19) VCF-style: chr19-39057584-C-A.
Other names: c.13456C>A, p.Pro4486Thr (NM_001042723.2); short protein forms P4486T, P4491T.
Identifiers: ClinVar variation 4758631 (VCV004758631.2).